The following is an entry in ClinVar:

NM_000455.5(STK11):c.460dup (p.His154fs)

Gene: STK11 (serine/threonine kinase 11; plus strand). Cytogenetic location: 19p13.3.
Variant type: Duplication.
Coding change: c.460dup on transcript NM_000455.5 (MANE Select); coding-DNA position 460, one base duplicated (C; older notation c.460dupC).
Protein change: p.His154fs; shifts the reading frame from histidine 154.
Molecular consequence: frameshift variant. On other transcripts: non-coding transcript variant (1).
Genome position (GRCh38, 1-based): chr19:1,219,409, C duplicated; the last of 3 consecutive C bases (chr19:1,219,407-1,219,409); duplicating any one gives the same sequence. VCF-style (leftmost placement, unchanged base first): chr19-1219406-G-GC. GRCh37 (hg19) VCF-style: chr19-1219405-G-GC.
Other names: c.460dup, p.His154fs (NM_001407255.1); c.460dupC (NM_000455.4); short protein forms H154fs.
Identifiers: ClinVar variation 3323253 (VCV003323253.1).

ClinVar aggregate classification (germline): Pathogenic (1 of 4 stars; one submission).

Conditions:
Hereditary cancer-predisposing syndrome. Also called: Neoplastic Syndromes, Hereditary; Tumor predisposition; Hereditary neoplastic syndrome; Hereditary Cancer Syndrome. Identifiers: Orphanet 140162, MedGen C0027672, MeSH D009386, MONDO:0015356.

Submission:

Ambry Genetics
Classification: Pathogenic for Hereditary cancer-predisposing syndrome. Last evaluated: 2024-03-26. Review status: criteria provided, single submitter. Criteria: Ambry Variant Classification Scheme 2023. Collection method: clinical testing. Allele origin: germline.
Comment: The c.460dupC pathogenic mutation, located in coding exon 3 of the STK11 gene, results from a duplication of C at nucleotide position 460, causing a translational frameshift with a predicted alternate stop codon (p.H154Pfs*9). This variant has been observed in at least one individual with a personal and/or family history that is consistent with Peutz-Jeghers syndrome (Ambry internal data). This variant is considered to be rare based on population cohorts in the Genome Aggregation Database (gnomAD). This alteration is expected to result in loss of function by premature protein truncation or nonsense-mediated mRNA decay. As such, this alteration is interpreted as a disease-causing mutation.